The following is an entry in ClinVar:

NM_000061.3(BTK):c.520+1G>A

Gene: BTK (Bruton tyrosine kinase; minus strand). Cytogenetic location: Xq22.1.
Variant type: single nucleotide variant.
Coding change: c.520+1G>A on transcript NM_000061.3 (MANE Select); the canonical splice donor site of the intron after coding-DNA position 520, G replaced by A.
Molecular consequence: splice donor variant.
Genome position (GRCh38, 1-based): chrX:101,362,560, C>T on the plus strand (G>A on the coding strand, the complement: BTK is on the minus strand). VCF-style: chrX-101362560-C-T. GRCh37 (hg19) VCF-style: chrX-100617548-C-T.
Other names: c.520+1G>A (NM_001287345.2); c.622+1G>A (NM_001287344.2).
Identifiers: ClinVar variation 1075549 (VCV001075549.9), dbSNP rs2147435832, ClinGen allele CA413934776.

ClinVar aggregate classification (germline): Pathogenic (1 of 4 stars; one submission).

Conditions:
X-linked agammaglobulinemia with growth hormone deficiency (IGHD3). Also called: FLEISHER SYNDROME; HYPOGAMMAGLOBULINEMIA AND ISOLATED GROWTH HORMONE DEFICIENCY, X-LINKED; IGHD III; AGAMMAGLOBULINEMIA AND ISOLATED GROWTH HORMONE DEFICIENCY, X-LINKED; Isolated growth hormone deficiency type 3; Growth hormone deficiency with hypogammaglobulinemia. Identifiers: Orphanet 231692, Orphanet 631, MedGen C0472813, MONDO:0010615, OMIM 307200.

Submission:

Labcorp Genetics (formerly Invitae), Labcorp
Classification: Pathogenic for X-linked agammaglobulinemia with growth hormone deficiency. Last evaluated: 2020-03-11. Review status: criteria provided, single submitter. Criteria: Invitae Variant Classification Sherloc (09022015). Collection method: clinical testing. Allele origin: germline.
Comment: For these reasons, this variant has been classified as Pathogenic. Donor and acceptor splice site variants typically lead to a loss of protein function (PMID: 16199547), and loss-of-function variants in BTK are known to be pathogenic (PMID: 15661032, 16862044, 19419768). Algorithms developed to predict the effect of sequence changes on RNA splicing suggest that this variant may disrupt the consensus splice site, but this prediction has not been confirmed by published transcriptional studies. This variant has been observed in individual(s) with agammaglobulinemia and isolated hormone deficiency (PMID: 19419768, 15661032). This variant is not present in population databases (ExAC no frequency). This sequence change affects a donor splice site in intron 6 of the BTK gene. It is expected to disrupt RNA splicing and likely results in an absent or disrupted protein product.

Literature cited by the submitters: PubMed 16199547; PubMed 15661032; PubMed 16862044; PubMed 19419768.